The following is an entry in ClinVar:

NM_005431.2(XRCC2):c.280A>C (p.Thr94Pro)

Gene: XRCC2 (X-ray repair cross complementing 2; minus strand). Cytogenetic location: 7q36.1.
Variant type: single nucleotide variant.
Coding change: c.280A>C on transcript NM_005431.2 (MANE Select); coding-DNA position 280, A replaced by C.
Protein change: p.Thr94Pro; replaces threonine 94 with proline.
Molecular consequence: missense variant.
Genome position (GRCh38, 1-based): chr7:152,649,205, T>G on the plus strand (A>C on the coding strand, the complement: XRCC2 is on the minus strand). VCF-style: chr7-152649205-T-G. GRCh37 (hg19) VCF-style: chr7-152346290-T-G.
Other names: short protein forms T94P.
Identifiers: ClinVar variation 953809 (VCV000953809.9), dbSNP rs1387913405, ClinGen allele CA370199046.
Genomic context (GRCh38, chr7:152,649,205, plus strand): 5'-TTCCCAGGCAGTATTTGATTATTTCTTCAGAGCTTTGGGATAGTCTGTGCTCAAGAATTG[T>G]AACTAGCCGGAGCATATCAAAGTGGTAATCTGTATCAATAAATAAGACTTCTACTTCCAG-3'
Protein context (NP_005422.1, residues 84-104): DYHFDMLRLV[Thr94Pro]ILEHRLSQSS

ClinVar aggregate classification (germline): Uncertain significance (1 of 4 stars; one submission).

Allele frequency attached by ClinVar (database versions not stated): TOPMed below 0.00001; gnomAD 0.00001.
gnomAD v4.1: 1 of 1,613,748 alleles (0.000062%); highest among the groups gnomAD compares: Non-Finnish European, 0.000085%; no homozygotes.

Submission:

Labcorp Genetics (formerly Invitae), Labcorp
Classification: Uncertain significance. Last evaluated: 2019-07-10. Review status: criteria provided, single submitter. Criteria: Invitae Variant Classification Sherloc (09022015). Collection method: clinical testing. Allele origin: germline.
Comment: This variant has not been reported in the literature in individuals with XRCC2-related conditions. This sequence change replaces threonine with proline at codon 94 of the XRCC2 protein (p.Thr94Pro). The threonine residue is highly conserved and there is a small physicochemical difference between threonine and proline. This variant is not present in population databases (ExAC no frequency). Algorithms developed to predict the effect of missense changes on protein structure and function (SIFT, PolyPhen-2, Align-GVGD) all suggest that this variant is likely to be disruptive, but these predictions have not been confirmed by published functional studies and their clinical significance is uncertain. In summary, the available evidence is currently insufficient to determine the role of this variant in disease. Therefore, it has been classified as a Variant of Uncertain Significance.